The following is an entry in ClinVar:

ClinVar aggregate classification (germline): Uncertain significance (1 of 4 stars; one submission).

Submission:

Labcorp Genetics (formerly Invitae), Labcorp
Classification: Uncertain significance. Last evaluated: 2022-09-01. Review status: criteria provided, single submitter. Criteria: Invitae Variant Classification Sherloc (09022015). Collection method: clinical testing. Allele origin: germline.
Comment: In summary, the available evidence is currently insufficient to determine the role of this variant in disease. Therefore, it has been classified as a Variant of Uncertain Significance. Algorithms developed to predict the effect of missense changes on protein structure and function (SIFT, PolyPhen-2, Align-GVGD) all suggest that this variant is likely to be disruptive. ClinVar contains an entry for this variant (Variation ID: 1469513). This variant has not been reported in the literature in individuals affected with AHR-related conditions. This variant is not present in population databases (gnomAD no frequency). This sequence change replaces leucine, which is neutral and non-polar, with valine, which is neutral and non-polar, at codon 146 of the AHR protein (p.Leu146Val).

NM_001621.5(AHR):c.436C>G (p.Leu146Val)

Gene: AHR (aryl hydrocarbon receptor; plus strand). Cytogenetic location: 7p21.1.
Variant type: single nucleotide variant.
Coding change: c.436C>G on transcript NM_001621.5 (MANE Select); coding-DNA position 436, C replaced by G.
Protein change: p.Leu146Val; replaces leucine 146 with valine.
Molecular consequence: missense variant.
Genome position (GRCh38, 1-based): chr7:17,327,834, C>G. VCF-style: chr7-17327834-C-G. GRCh37 (hg19) VCF-style: chr7-17367458-C-G.
Other names: short protein forms L146V.
Identifiers: ClinVar variation 1469513 (VCV001469513.6), dbSNP rs1240903270, ClinGen allele CA366891296.